The following is an entry in ClinVar:

NM_001384140.1(PCDH15):c.641T>C (p.Ile214Thr)

Gene: PCDH15 (protocadherin related 15; minus strand). Cytogenetic location: 10q21.1.
Variant type: single nucleotide variant.
Coding change: c.641T>C on transcript NM_001384140.1 (MANE Select); coding-DNA position 641, T replaced by C.
Protein change: p.Ile214Thr; replaces isoleucine 214 with threonine.
Molecular consequence: missense variant. On other transcripts: intron variant (1).
Genome position (GRCh38, 1-based): chr10:54,329,660, A>G on the plus strand (T>C on the coding strand, the complement: PCDH15 is on the minus strand). VCF-style: chr10-54329660-A-G. GRCh37 (hg19) VCF-style: chr10-56089420-A-G.
Other names: c.656T>C, p.Ile219Thr (NM_001142763.2, NM_001142769.4, NM_001142771.2); c.641T>C, p.Ile214Thr (NM_001142764.2, NM_001142765.2, NM_001142766.2 and 7 more transcripts); c.575T>C, p.Ile192Thr (NM_001142768.2, NM_001142773.2, NM_001354404.2); c.595-12219T>C (NM_001142767.2); short protein forms I219T, I192T, I214T.
Identifiers: ClinVar variation 1476638 (VCV001476638.5), dbSNP rs772525423, ClinGen allele CA5506635.
Genomic context (GRCh38, chr10:54,329,660, plus strand): 5'-GCTTGGATTATGACAAAGTAGCGAGTCTTATCTTCATAGTTGAGCCTCTTCCTTAACACT[A>G]TATTTCCAGTCAACATTAGGGGAATTTCAAAGGTGTCATTGGATGTCTGCAAATATTAAA-3'
Protein context (NP_001371069.1, residues 204-224): FEIPLMLTGN[Ile214Thr]VLRKRLNYED

ClinVar aggregate classification (germline): Uncertain significance (1 of 4 stars; one submission).

Allele frequency attached by ClinVar (database versions not stated): gnomAD exomes 0.00001 and 0.00003; ExAC 0.00005.
gnomAD v4.1: 14 of 1,609,444 alleles (0.00087%); highest among the groups gnomAD compares: Admixed American, 0.01%; no homozygotes.

Submission:

Labcorp Genetics (formerly Invitae), Labcorp
Classification: Uncertain significance. Last evaluated: 2022-10-25. Review status: criteria provided, single submitter. Criteria: Invitae Variant Classification Sherloc (09022015). Collection method: clinical testing. Allele origin: germline.
Comment: This sequence change replaces isoleucine, which is neutral and non-polar, with threonine, which is neutral and polar, at codon 214 of the PCDH15 protein (p.Ile214Thr). This variant is present in population databases (rs772525423, gnomAD 0.02%). This variant has not been reported in the literature in individuals affected with PCDH15-related conditions. ClinVar contains an entry for this variant (Variation ID: 1476638). Advanced modeling of protein sequence and biophysical properties (such as structural, functional, and spatial information, amino acid conservation, physicochemical variation, residue mobility, and thermodynamic stability) performed at Invitae indicates that this missense variant is not expected to disrupt PCDH15 protein function. In summary, the available evidence is currently insufficient to determine the role of this variant in disease. Therefore, it has been classified as a Variant of Uncertain Significance.